The following is an entry in ClinVar:

ClinVar aggregate classification (germline): Pathogenic. Review status: criteria provided, multiple submitters, no conflicts (2 of 4 stars). 2 submissions from 2 submitters: Pathogenic (2). Last evaluated 2025-10-01.

Conditions:
Spastic paraplegia. Identifiers: MedGen C0037772, HP:0001258.

Submissions (2):

Dasa
Classification: Pathogenic. Last evaluated: 2025-10-01. Review status: criteria provided, single submitter. Criteria: DASA Assertion Criteria. Collection method: clinical testing. Allele origin: germline.
Comment: NM_014231.5(VAMP1):c.59del (p.Gly20Valfs*9) introduces a premature termination codon predicted to result in loss of normal protein function. Loss-of-function is an established mechanism of disease for this gene. This variant has been observed in affected individuals with related phenotype in a genotype context consistent with recessive disease. The variant is present at low frequency in population datasets. Based on the available data, this variant is classified as pathogenic.

Labcorp Genetics (formerly Invitae), Labcorp
Classification: Pathogenic for Spastic paraplegia. Last evaluated: 2023-12-25. Review status: criteria provided, single submitter. Criteria: Invitae Variant Classification Sherloc (09022015). Collection method: clinical testing. Allele origin: germline.
Comment: This sequence change creates a premature translational stop signal (p.Gly20Valfs*9) in the VAMP1 gene. It is expected to result in an absent or disrupted protein product. Loss-of-function variants in VAMP1 are known to be pathogenic (PMID: 28253535). This variant is present in population databases (no rsID available, gnomAD 0.003%). This variant has not been reported in the literature in individuals affected with VAMP1-related conditions. ClinVar contains an entry for this variant (Variation ID: 1459195). For these reasons, this variant has been classified as Pathogenic.

Literature cited by the submitters: PubMed 28253535 (cited by Labcorp Genetics (formerly Invitae), Labcorp).

NM_014231.5(VAMP1):c.59del (p.Gly20fs)

Genes: TAPBPL (TAP binding protein like; plus strand), VAMP1 (vesicle associated membrane protein 1; minus strand). Cytogenetic location: 12p13.31.
Variant type: Deletion.
Coding change: c.59del on transcript NM_014231.5 (MANE Select); coding-DNA position 59, one base deleted (G; older notation c.59delG).
Protein change: p.Gly20fs; shifts the reading frame from glycine 20.
Molecular consequence: frameshift variant.
Genome position (GRCh38, 1-based): chr12:6,466,295, C deleted on the plus strand (G on the coding strand, the reverse complement: VAMP1 is on the minus strand); the first of 5 consecutive C bases (chr12:6,466,295-6,466,299); deleting any one gives the same sequence. VCF-style (leftmost placement, unchanged base first): chr12-6466294-AC-A. GRCh37 (hg19) VCF-style: chr12-6575460-AC-A.
Other names: c.59del, p.Gly20fs (NM_001297438.2, NM_016830.4, NM_199245.3); short protein forms G20fs.
Identifiers: ClinVar variation 1459195 (VCV001459195.7), dbSNP rs1311863343, ClinGen allele CA603113360.